The following is an entry in ClinVar:

ClinVar aggregate classification (germline): Benign (1 of 4 stars; one submission).

Allele frequency attached by ClinVar (database versions not stated): 1000 Genomes Project 0.30970; 1000 Genomes Project 30x 0.31433; gnomAD 0.38452 and 0.39345; TOPMed 0.38518.
gnomAD v4.1: 58,363 of 151,884 alleles (38%); highest among the groups gnomAD compares: African/African-American, 42%; 11,519 homozygotes.

Submission:

GeneDx
Classification: Benign. Last evaluated: 2018-06-19. Review status: criteria provided, single submitter. Criteria: GeneDx Variant Classification (06012015). Collection method: clinical testing. Allele origin: germline. Affected: yes.
Comment: This variant is considered likely benign or benign based on one or more of the following criteria: it is a conservative change, it occurs at a poorly conserved position in the protein, it is predicted to be benign by multiple in silico algorithms, and/or has population frequency not consistent with disease.

NM_001851.6(COL9A1):c.1503+298T>C

Gene: COL9A1 (collagen type IX alpha 1 chain; minus strand). Cytogenetic location: 6q13.
Variant type: single nucleotide variant.
Coding change: c.1503+298T>C on transcript NM_001851.6 (MANE Select); 298 bases into the intron after coding-DNA position 1503, T replaced by C.
Molecular consequence: intron variant.
Genome position (GRCh38, 1-based): chr6:70,256,470, A>G on the plus strand (T>C on the coding strand, the complement: COL9A1 is on the minus strand). VCF-style: chr6-70256470-A-G. GRCh37 (hg19) VCF-style: chr6-70966173-A-G.
Other names: c.774+298T>C (NM_001377290.1, NM_078485.4, NM_001377289.1).
Identifiers: ClinVar variation 683421 (VCV000683421.1), dbSNP rs506908, ClinGen allele CA12197343.